The following is an entry in ClinVar:

NM_033380.3(COL4A5):c.1606G>A (p.Gly536Ser)

Gene: COL4A5 (collagen type IV alpha 5 chain; plus strand). Cytogenetic location: Xq22.3.
Variant type: single nucleotide variant.
Coding change: c.1606G>A on transcript NM_033380.3 (MANE Select); coding-DNA position 1606, G replaced by A.
Protein change: p.Gly536Ser; replaces glycine 536 with serine.
Molecular consequence: missense variant.
Genome position (GRCh38, 1-based): chrX:108,597,395, G>A. VCF-style: chrX-108597395-G-A. GRCh37 (hg19) VCF-style: chrX-107840625-G-A.
Other names: c.1606G>A, p.Gly536Ser (NM_000495.5); short protein forms G536S.
Identifiers: ClinVar variation 2862472 (VCV002862472.3), dbSNP rs1396817932, ClinGen allele CA413845233.

ClinVar aggregate classification (germline): Likely pathogenic (1 of 4 stars; one submission).

Submission:

Labcorp Genetics (formerly Invitae), Labcorp
Classification: Likely pathogenic. Last evaluated: 2024-03-17. Review status: criteria provided, single submitter. Criteria: Invitae Variant Classification Sherloc (09022015). Collection method: clinical testing. Allele origin: germline.
Comment: This sequence change replaces glycine, which is neutral and non-polar, with serine, which is neutral and polar, at codon 536 of the COL4A5 protein (p.Gly536Ser). This variant is present in population databases (no rsID available, gnomAD 0.001%). This variant has not been reported in the literature in individuals affected with COL4A5-related conditions. Advanced modeling of protein sequence and biophysical properties (such as structural, functional, and spatial information, amino acid conservation, physicochemical variation, residue mobility, and thermodynamic stability) performed at Invitae indicates that this missense variant is expected to disrupt COL4A5 protein function with a positive predictive value of 95%. This variant disrupts the triple helix domain of COL4A5. Glycine residues within the Gly-Xaa-Yaa repeats of the triple helix domain are required for the structure and stability of fibrillar collagens (PMID: 7695699, 8218237, 19344236). In COL4A5, missense variants at these glycine residues are significantly enriched in individuals with disease (PMID: 23720012, 27627812) compared to the general population (ExAC). In summary, the currently available evidence indicates that the variant is pathogenic, but additional data are needed to prove that conclusively. Therefore, this variant has been classified as Likely Pathogenic.

Literature cited by the submitters: PubMed 7695699; PubMed 8218237; PubMed 19344236; PubMed 23720012; PubMed 27627812.